The following is an entry in ClinVar:

ClinVar aggregate classification (germline): Uncertain significance. Review status: criteria provided, multiple submitters, no conflicts (2 of 4 stars). 2 submissions from 2 submitters: Uncertain significance (2). Last evaluated 2024-06-07.

Conditions:
Inborn genetic diseases. Identifiers: MedGen C0950123, MeSH D030342.

gnomAD v4.1: 3 of 1,614,120 alleles (0.00019%); highest among the groups gnomAD compares: Non-Finnish European, 0.00017%; no homozygotes.

Submissions (2):

Ambry Genetics
Classification: Uncertain significance for Inborn genetic diseases. Last evaluated: 2024-06-07. Review status: criteria provided, single submitter. Criteria: Ambry Variant Classification Scheme 2023. Collection method: clinical testing. Allele origin: germline.

Labcorp Genetics (formerly Invitae), Labcorp
Classification: Uncertain significance. Last evaluated: 2023-02-14. Review status: criteria provided, single submitter. Criteria: Invitae Variant Classification Sherloc (09022015). Collection method: clinical testing. Allele origin: germline.
Comment: This sequence change replaces glycine, which is neutral and non-polar, with valine, which is neutral and non-polar, at codon 3073 of the HSPG2 protein (p.Gly3073Val). This variant is not present in population databases (gnomAD no frequency). This variant has not been reported in the literature in individuals affected with HSPG2-related conditions. ClinVar contains an entry for this variant (Variation ID: 951432). Algorithms developed to predict the effect of missense changes on protein structure and function are either unavailable or do not agree on the potential impact of this missense change (SIFT: "Deleterious"; PolyPhen-2: "Possibly Damaging"; Align-GVGD: "Class C0"). In summary, the available evidence is currently insufficient to determine the role of this variant in disease. Therefore, it has been classified as a Variant of Uncertain Significance.

NM_005529.7(HSPG2):c.9218G>T (p.Gly3073Val)

Gene: HSPG2 (heparan sulfate proteoglycan 2; minus strand). Cytogenetic location: 1p36.12.
Variant type: single nucleotide variant.
Coding change: c.9218G>T on transcript NM_005529.7 (MANE Select); coding-DNA position 9218, G replaced by T.
Protein change: p.Gly3073Val; replaces glycine 3073 with valine.
Molecular consequence: missense variant.
Genome position (GRCh38, 1-based): chr1:21,841,649, C>A on the plus strand (G>T on the coding strand, the complement: HSPG2 is on the minus strand). VCF-style: chr1-21841649-C-A. GRCh37 (hg19) VCF-style: chr1-22168142-C-A.
Other names: c.9221G>T, p.Gly3074Val (NM_001291860.2); c.9218G>T (NM_005529.5); short protein forms G3073V, G3074V.
Identifiers: ClinVar variation 951432 (VCV000951432.10), dbSNP rs2098048938, ClinGen allele CA338914936.